The following is an entry in ClinVar:

NM_001365999.1(SZT2):c.9577G>C (p.Val3193Leu)

Genes: SZT2 (SZT2 subunit of KICSTOR complex; plus strand), SZT2-AS1 (SZT2 antisense RNA 1; minus strand). Cytogenetic location: 1p34.2.
Variant type: single nucleotide variant.
Coding change: c.9577G>C on transcript NM_001365999.1 (MANE Select); coding-DNA position 9577, G replaced by C.
Protein change: p.Val3193Leu; replaces valine 3193 with leucine.
Molecular consequence: missense variant.
Genome position (GRCh38, 1-based): chr1:43,448,092, G>C. VCF-style: chr1-43448092-G-C. GRCh37 (hg19) VCF-style: chr1-43913763-G-C.
Other names: c.9406G>C, p.Val3136Leu (NM_015284.4); c.9406G>C (NM_015284.3); short protein forms V3136L, V3193L.
Identifiers: ClinVar variation 1027240 (VCV001027240.8), dbSNP rs779432358, ClinGen allele CA810971.

ClinVar aggregate classification (germline): Uncertain significance. Review status: criteria provided, multiple submitters, no conflicts (2 of 4 stars). 4 submissions from 4 submitters: Uncertain significance (4). Last evaluated 2023-04-11.

Conditions:
Inborn genetic diseases. Identifiers: MedGen C0950123, MeSH D030342.
Developmental and epileptic encephalopathy, 18 (DEE18). Also called: Early infantile epileptic encephalopathy 18. Identifiers: Orphanet 369894, MedGen C3809624, MONDO:0014201, OMIM 615476.

Allele frequency attached by ClinVar (database versions not stated): TOPMed 0.00003.
gnomAD v4.1: 3 of 1,596,476 alleles (0.00019%); highest among the groups gnomAD compares: Admixed American, 0.0034%; no homozygotes.

Submissions (4):

Genome-Nilou Lab
Classification: Uncertain significance for Developmental and epileptic encephalopathy, 18. Last evaluated: 2023-04-11. Review status: criteria provided, single submitter. Criteria: ACMG Guidelines, 2015. Collection method: clinical testing. Allele origin: germline. Affected: no.

Ambry Genetics
Classification: Uncertain significance for Inborn genetic diseases. Last evaluated: 2022-11-30. Review status: criteria provided, single submitter. Criteria: Ambry Variant Classification Scheme 2023. Collection method: clinical testing. Allele origin: germline.

GeneDx
Classification: Uncertain significance. Last evaluated: 2022-11-07. Review status: criteria provided, single submitter. Criteria: GeneDx Variant Classification Process June 2021. Collection method: clinical testing. Allele origin: germline. Affected: yes.
Comment: Not observed at significant frequency in large population cohorts (gnomAD); In silico analysis supports that this missense variant does not alter protein structure/function; Has not been previously published as pathogenic or benign to our knowledge

Labcorp Genetics (formerly Invitae), Labcorp
Classification: Uncertain significance. Last evaluated: 2021-09-01. Review status: criteria provided, single submitter. Criteria: Invitae Variant Classification Sherloc (09022015). Collection method: clinical testing. Allele origin: germline.
Comment: This sequence change replaces valine with leucine at codon 3136 of the SZT2 protein (p.Val3136Leu). The valine residue is highly conserved and there is a small physicochemical difference between valine and leucine. This variant is present in population databases (rs779432358, ExAC 0.01%). This variant has not been reported in the literature in individuals affected with SZT2-related conditions. Algorithms developed to predict the effect of missense changes on protein structure and function are either unavailable or do not agree on the potential impact of this missense change (SIFT: "Tolerated"; PolyPhen-2: "Probably Damaging"; Align-GVGD: "Class C0"). In summary, the available evidence is currently insufficient to determine the role of this variant in disease. Therefore, it has been classified as a Variant of Uncertain Significance.